The following is an entry in ClinVar:

ClinVar aggregate classification (germline): Uncertain significance (1 of 4 stars; one submission).

Conditions:
Severe combined immunodeficiency due to DNA-PKcs deficiency. Also called: IMMUNODEFICIENCY 26 WITH NEUROLOGIC ABNORMALITIES; Immunodeficiency 26 with or without neurologic abnormalities. Identifiers: Orphanet 317425, MedGen C4014833, MONDO:0014423, OMIM 615966.

Allele frequency attached by ClinVar (database versions not stated): gnomAD exomes below 0.00001; ExAC 0.00001; gnomAD 0.00001.
gnomAD v4.1: 5 of 1,613,424 alleles (0.00031%); highest among the groups gnomAD compares: Admixed American, 0.0017%; no homozygotes.

Submission:

Labcorp Genetics (formerly Invitae), Labcorp
Classification: Uncertain significance for Severe combined immunodeficiency due to DNA-PKcs deficiency. Last evaluated: 2022-09-01. Review status: criteria provided, single submitter. Criteria: Invitae Variant Classification Sherloc (09022015). Collection method: clinical testing. Allele origin: germline.
Comment: This sequence change replaces glutamic acid, which is acidic and polar, with lysine, which is basic and polar, at codon 1640 of the PRKDC protein (p.Glu1640Lys). This variant is present in population databases (rs780182143, gnomAD 0.003%). This variant has not been reported in the literature in individuals affected with PRKDC-related conditions. Experimental studies and prediction algorithms are not available or were not evaluated, and the functional significance of this variant is currently unknown. In summary, the available evidence is currently insufficient to determine the role of this variant in disease. Therefore, it has been classified as a Variant of Uncertain Significance.

NM_006904.7(PRKDC):c.4918G>A (p.Glu1640Lys)

Gene: PRKDC (protein kinase, DNA-activated, catalytic subunit; minus strand). Cytogenetic location: 8q11.21.
Variant type: single nucleotide variant.
Coding change: c.4918G>A on transcript NM_006904.7 (MANE Select); coding-DNA position 4918, G replaced by A.
Protein change: p.Glu1640Lys; replaces glutamic acid 1640 with lysine.
Molecular consequence: missense variant.
Genome position (GRCh38, 1-based): chr8:47,881,956, C>T on the plus strand (G>A on the coding strand, the complement: PRKDC is on the minus strand). VCF-style: chr8-47881956-C-T. GRCh37 (hg19) VCF-style: chr8-48794517-C-T.
Other names: c.4918G>A, p.Glu1640Lys (NM_001081640.2); short protein forms E1640K.
Identifiers: ClinVar variation 2164911 (VCV002164911.1), dbSNP rs780182143, ClinGen allele CA4740769.
Genomic context (GRCh38, chr8:47,881,956, plus strand): 5'-TAAAGGAATTGAATACCTGTAAAATTTTTGCCAGTAAGGCCAGCACTGCCATTTTAGTTT[C>T]GAGAGGGGAATCTTTGGCCCACCATGAATCACACTTCTTCCAGTGTTGCAGAATTGTAGT-3'
Protein context (NP_008835.5, residues 1630-1650): DSWWAKDSPL[Glu1640Lys]TKMAVLALLA